The following is an entry in ClinVar:

ClinVar aggregate classification (germline): Uncertain significance (1 of 4 stars; one submission).

Conditions:
Malignant hyperthermia, susceptibility to, 1 (MHS1). Also called: RYR1-Related Malignant Hyperthermia Susceptibility; Anesthesia related hyperthermia; Malignant hyperpyrexia; Fulminating hyperpyrexia; Pharmacogenic myopathy; Malignant hyperthermia suceptibility 1. Identifiers: Orphanet 423, MedGen C2930980, MONDO:0007783, OMIM 145600.

Submission:

All of Us Research Program, National Institutes of Health
Classification: Uncertain significance for Malignant hyperthermia, susceptibility to, 1. Last evaluated: 2023-06-08. Review status: criteria provided, single submitter. Criteria: ACMG Guidelines, 2015. Collection method: clinical testing. Allele origin: germline. Inheritance: Autosomal dominant inheritance. Observed: 1 variant allele, 1 heterozygote.
Comment: This variant deletes 2 nucleotides in exon 25 of the RYR1 gene, creating a frameshift and premature translation stop signal. This variant is expected to result in an absent or non-functional protein product. To our knowledge, this variant has not been reported in individuals affected with malignant hyperthermia in the literature. This variant has not been identified in the general population by the Genome Aggregation Database (gnomAD). Loss of RYR1 function due to truncation variants is not an established disease mechanism for autosomal dominant malignant hyperthermia. The available evidence is insufficient to determine the role of this variant in disease conclusively. Therefore, this variant is classified as a Variant of Uncertain Significance for autosomal dominant malignant hyperthermia.

This study involves interpretation of variants in research participants for the purpose of population health screening. Participant phenotype was not available at the time of variant classification. Additional details can be found in publication PMID: 35346344, PMCID: PMC8962531

NM_000540.3(RYR1):c.3215_3216del (p.Arg1072fs)

Gene: RYR1 (ryanodine receptor 1; plus strand). Cytogenetic location: 19q13.2.
Variant type: Microsatellite.
Coding change: c.3215_3216del on transcript NM_000540.3 (MANE Select); coding-DNA positions 3215 to 3216, 2 bases deleted (GC; older notation c.3215_3216delGC).
Protein change: p.Arg1072fs; shifts the reading frame from arginine 1072.
Molecular consequence: frameshift variant.
Genome position (GRCh38, 1-based): chr19:38,467,646-38,467,647, GC deleted; deleting any 2 consecutive bases within chr19:38,467,644-38,467,647 gives the same sequence; the c. name uses the placement nearest the transcript's 3' end. VCF-style (leftmost placement, unchanged base first): chr19-38467643-TGC-T. GRCh37 (hg19) VCF-style: chr19-38958283-TGC-T.
Other names: c.3215_3216del, p.Arg1072fs (NM_001042723.2); short protein forms R1072fs.
Identifiers: ClinVar variation 3069249 (VCV003069249.1), dbSNP rs2514101411, ClinGen allele CA2825002771.